The following is an entry in ClinVar:

ClinVar aggregate classification (germline): Uncertain significance (1 of 4 stars; one submission).

Allele frequency attached by ClinVar (database versions not stated): gnomAD exomes below 0.00001; TOPMed 0.00001.

Submission:

Greenwood Genetic Center Diagnostic Laboratories, Greenwood Genetic Center
Classification: Uncertain significance. Last evaluated: 2022-07-29. Review status: criteria provided, single submitter. Criteria: ACMG Guidelines, 2015. Collection method: clinical testing. Allele origin: germline. Affected: yes.
Comment: Gene of Uncertain Significance

NM_001014809.3(CRMP1):c.214_236del (p.Ala72fs)

Gene: CRMP1 (collapsin response mediator protein 1; minus strand). Cytogenetic location: 4p16.2.
Variant type: Deletion.
Coding change: c.214_236del on transcript NM_001014809.3 (MANE Select); coding-DNA positions 214 to 236, 23 bases deleted (GCGGTCGGGCTGCCAGGGCCGGG).
Protein change: p.Ala72fs; shifts the reading frame from alanine 72.
Molecular consequence: frameshift variant.
Genome position (GRCh38, 1-based): chr4:5,892,734-5,892,756, CCCGGCCCTGGCAGCCCGACCGC deleted on the plus strand (GCGGTCGGGCTGCCAGGGCCGGG on the coding strand, the reverse complement: CRMP1 is on the minus strand). VCF-style (leftmost placement, unchanged base first): chr4-5892733-TCCCGGCCCTGGCAGCCCGACCGC-T. GRCh37 (hg19) VCF-style: chr4-5894460-TCCCGGCCCTGGCAGCCCGACCGC-T.
Other names: short protein forms A72fs.
Identifiers: ClinVar variation 1710474 (VCV001710474.3), dbSNP rs1716009962, ClinGen allele CA1435570694.